The following is an entry in ClinVar:

ClinVar aggregate classification (germline): Pathogenic. Review status: reviewed by expert panel (3 of 4 stars). 2 submissions from 2 submitters: Pathogenic (1). 1 of the submissions does not count toward it. Last evaluated 2016-10-18.

Conditions:
Breast-ovarian cancer, familial, susceptibility to, 1 (BROVCA1). Also called: OVARIAN CANCER, SUSCEPTIBILITY TO; BRCA1 Hereditary Breast and Ovarian Cancer. Identifiers: Orphanet 145, MedGen C2676676, MONDO:0011450, OMIM 604370. Disease mechanism: loss of function.

Submissions (2):

Evidence-based Network for the Interpretation of Germline Mutant Alleles (ENIGMA)
Classification: Pathogenic for Breast-ovarian cancer, familial, susceptibility to, 1. Last evaluated: 2016-10-18. Review status: reviewed by expert panel. Criteria: ENIGMA BRCA1/2 Classification Criteria (2015). Collection method: curation. Allele origin: germline.
Comment: Variant allele predicted to encode a truncated non-functional protein.

Consortium of Investigators of Modifiers of BRCA1/2 (CIMBA), c/o University of Cambridge
Classification: Pathogenic for Breast-ovarian cancer, familial, susceptibility to, 1. Last evaluated: 2015-10-02. Review status: criteria provided, single submitter. Criteria: CIMBA Mutation Classification guidelines May 2016. Collection method: clinical testing. Allele origin: germline. Not counted in ClinVar's aggregate classification.

NM_007294.4(BRCA1):c.3145del (p.Ser1049fs)

Gene: BRCA1 (BRCA1 DNA repair associated; minus strand). Cytogenetic location: 17q21.31.
Variant type: Deletion.
Coding change: c.3145del on transcript NM_007294.4 (MANE Select); coding-DNA position 3145, one base deleted (T; older notation c.3145delT).
Protein change: p.Ser1049fs; shifts the reading frame from serine 1049.
Molecular consequence: frameshift variant. On other transcripts: intron variant (137).
Genome position (GRCh38, 1-based): chr17:43,092,386, A deleted on the plus strand (T on the coding strand, the reverse complement: BRCA1 is on the minus strand); the first of 2 consecutive A bases (chr17:43,092,386-43,092,387); deleting either gives the same sequence. VCF-style (leftmost placement, unchanged base first): chr17-43092385-GA-G. GRCh37 (hg19) VCF-style: chr17-41244402-GA-G.
Other names: 3264delT-ter1061; c.3145delT (NM_007294.3); c.2932del, p.Ser978fs (NM_001407571.1, NM_001407853.1, NM_001407894.1 and 9 more transcripts); c.3145del, p.Ser1049fs (NM_001407581.1, NM_001407582.1, NM_001407583.1 and 30 more transcripts); c.3142del, p.Ser1048fs (NM_001407587.1, NM_001407590.1, NM_001407591.1 and 22 more transcripts); c.3136del, p.Ser1046fs (NM_001407646.1, NM_001407647.1); c.3022del, p.Ser1008fs (NM_001407648.1, NM_001407664.1, NM_001407665.1 and 19 more transcripts); c.3019del, p.Ser1007fs (NM_001407649.1, NM_001407670.1, NM_001407671.1 and 11 more transcripts); and 43 more; short protein forms S1002fs, S1049fs, S1008fs, S922fs, S937fs, S960fs, S978fs, S981fs.
Identifiers: ClinVar variation 54779 (VCV000054779.7), dbSNP rs397509038, ClinGen allele CA002051.